The following is an entry in ClinVar:

NM_000069.3(CACNA1S):c.1005-14C>T

Gene: CACNA1S (calcium voltage-gated channel subunit alpha1 S; minus strand). Cytogenetic location: 1q32.1.
Variant type: single nucleotide variant.
Coding change: c.1005-14C>T on transcript NM_000069.3 (MANE Select); 14 bases into the intron before coding-DNA position 1005, C replaced by T.
Molecular consequence: intron variant.
Genome position (GRCh38, 1-based): chr1:201,085,595, G>A on the plus strand (C>T on the coding strand, the complement: CACNA1S is on the minus strand). VCF-style: chr1-201085595-G-A. GRCh37 (hg19) VCF-style: chr1-201054723-G-A.
Identifiers: ClinVar variation 3386396 (VCV003386396.1).

ClinVar aggregate classification (germline): Likely benign (1 of 4 stars; one submission).

Conditions:
Malignant hyperthermia, susceptibility to, 5 (MHS5). Also called: CACNA1S-Related Malignant Hyperthermia Susceptibility. Identifiers: Orphanet 423, MedGen C1866077, MONDO:0011163, OMIM 601887.

gnomAD v4.1: 1 of 1,613,606 alleles (0.000062%); highest among the groups gnomAD compares: East Asian, 0.0022%; no homozygotes.

Submission:

All of Us Research Program, National Institutes of Health
Classification: Likely benign for Malignant hyperthermia, susceptibility to, 5. Last evaluated: 2024-06-17. Review status: criteria provided, single submitter. Criteria: ACMG Guidelines, 2015. Collection method: clinical testing. Allele origin: germline. Inheritance: Autosomal dominant inheritance. Observed: 1 variant allele, 1 heterozygote.
Comment: This study involves interpretation of variants in research participants for the purpose of population health screening. Participant phenotype was not available at the time of variant classification. Additional details can be found in publication PMID: 35346344, PMCID: PMC8962531